The following is an entry in ClinVar:

ClinVar aggregate classification (germline): Uncertain significance (1 of 4 stars; one submission).

Conditions:
Cardiovascular phenotype. Identifiers: MedGen CN230736.

Submission:

Ambry Genetics
Classification: Uncertain significance for Cardiovascular phenotype. Last evaluated: 2026-02-15. Review status: criteria provided, single submitter. Criteria: Ambry Variant Classification Scheme 2023. Collection method: clinical testing. Allele origin: germline.
Comment: The p.N71S variant (also known as c.212A>G), located in coding exon 2 of the FKBP14 gene, results from an A to G substitution at nucleotide position 212. The asparagine at codon 71 is replaced by serine, an amino acid with highly similar properties. This amino acid position is conserved. In addition, this alteration is predicted to be tolerated by in silico analysis. Based on the available evidence, the clinical significance of this variant remains unclear.

NM_017946.4(FKBP14):c.212A>G (p.Asn71Ser)

Genes: FKBP14 (FKBP prolyl isomerase 14; minus strand), FKBP14-AS1 (FKBP14 antisense RNA 1; plus strand). Cytogenetic location: 7p14.3.
Variant type: single nucleotide variant.
Coding change: c.212A>G on transcript NM_017946.4 (MANE Select); coding-DNA position 212, A replaced by G.
Protein change: p.Asn71Ser; replaces asparagine 71 with serine.
Molecular consequence: missense variant. On other transcripts: non-coding transcript variant (1).
Genome position (GRCh38, 1-based): chr7:30,022,802, T>C on the plus strand (A>G on the coding strand, the complement: FKBP14 is on the minus strand). VCF-style: chr7-30022802-T-C. GRCh37 (hg19) VCF-style: chr7-30062418-T-C.
Other names: short protein forms N71S.
Identifiers: ClinVar variation 4844732 (VCV004844732.1).